The following is an entry in ClinVar:

NM_007294.4(BRCA1):c.2773A>G (p.Ile925Val)

Gene: BRCA1 (BRCA1 DNA repair associated; minus strand). Cytogenetic location: 17q21.31.
Variant type: single nucleotide variant.
Coding change: c.2773A>G on transcript NM_007294.4 (MANE Select); coding-DNA position 2773, A replaced by G.
Protein change: p.Ile925Val; replaces isoleucine 925 with valine.
Molecular consequence: missense variant. On other transcripts: intron variant (137).
Genome position (GRCh38, 1-based): chr17:43,092,758, T>C on the plus strand (A>G on the coding strand, the complement: BRCA1 is on the minus strand). VCF-style: chr17-43092758-T-C. GRCh37 (hg19) VCF-style: chr17-41244775-T-C.
Other names: c.2560A>G, p.Ile854Val (NM_001407571.1, NM_001407915.1, NM_001407916.1 and 9 more transcripts); c.2773A>G, p.Ile925Val (NM_001407581.1, NM_001407582.1, NM_001407583.1 and 30 more transcripts); c.2770A>G, p.Ile924Val (NM_001407587.1, NM_001407590.1, NM_001407591.1 and 22 more transcripts); c.2695A>G, p.Ile899Val (NM_001407655.1, NM_001407656.1, NM_001407657.1 and 4 more transcripts); c.2692A>G, p.Ile898Val (NM_001407659.1, NM_001407660.1, NM_001407661.1 and 1 more transcripts); c.2650A>G, p.Ile884Val (NM_001407674.1, NM_001407675.1, NM_001407676.1 and 19 more transcripts); c.2632A>G, p.Ile878Val (NM_001407694.1, NM_001407695.1, NM_001407696.1 and 29 more transcripts); c.2629A>G, p.Ile877Val (NM_001407740.1, NM_001407741.1, NM_001407742.1 and 20 more transcripts); and 41 more; short protein forms I925V, I878V, I629V, I757V, I858V, I877V, I884V, I898V.
Identifiers: ClinVar variation 185111 (VCV000185111.26), dbSNP rs4986847, ClinGen allele CA001826.
Genomic context (GRCh38, chr17:43,092,758, plus strand): 5'-TACATTTGGCATTATCAACTGGCTTATCTTTCTGACCAACCACAGGAAAGCCTGCAGTGA[T>C]ATTAACTGTCTGTACAGGCTTGATATTAGACTCATTCTTTCCTTGATTTTCTTCCTTTTG-3'
Protein context (NP_009225.1, residues 915-935): SNIKPVQTVN[Ile925Val]TAGFPVVGQK

ClinVar aggregate classification (germline): Conflicting classifications of pathogenicity. Review status: criteria provided, conflicting classifications (1 of 4 stars). 9 submissions from 9 submitters: Uncertain significance (4); Likely benign (5). Last evaluated 2026-01-14.

Conditions:
Hereditary breast ovarian cancer syndrome. Also called: Hereditary breast and ovarian cancer syndrome; Hereditary breast and ovarian cancer syndrome (HBOC); BRCA1- and BRCA2-Associated Hereditary Breast and Ovarian Cancer; Breast and ovarian cancer; Hereditary breast and ovarian cancer; Hereditary breast and/or ovarian cancer syndrome. Identifiers: Orphanet 145, MedGen C0677776, MeSH D061325, MONDO:0003582. Disease mechanism: loss of function.
Hereditary cancer-predisposing syndrome. Also called: Hereditary Cancer Syndrome; Hereditary neoplastic syndrome; Tumor predisposition; Neoplastic Syndromes, Hereditary. Identifiers: Orphanet 140162, MedGen C0027672, MeSH D009386, MONDO:0015356.
Breast-ovarian cancer, familial, susceptibility to, 1 (BROVCA1). Also called: OVARIAN CANCER, SUSCEPTIBILITY TO; BRCA1 Hereditary Breast and Ovarian Cancer. Identifiers: Orphanet 145, MedGen C2676676, MONDO:0011450, OMIM 604370. Disease mechanism: loss of function.

Allele frequency attached by ClinVar (database versions not stated): TOPMed 0.00001.
gnomAD v4.1: 36 of 1,613,994 alleles (0.0022%); highest among the groups gnomAD compares: Non-Finnish European, 0.003%; no homozygotes.

Submissions (9):

Labcorp Genetics (formerly Invitae), Labcorp
Classification: Likely benign for Hereditary breast ovarian cancer syndrome. Last evaluated: 2026-01-14. Review status: criteria provided, single submitter. Criteria: Invitae Variant Classification Sherloc (09022015). Collection method: clinical testing. Allele origin: germline.

All of Us Research Program, National Institutes of Health
Classification: Likely benign for Breast-ovarian cancer, familial, susceptibility to, 1. Last evaluated: 2023-06-08. Review status: criteria provided, single submitter. Criteria: ACMG Guidelines, 2015. Collection method: clinical testing. Allele origin: germline. Inheritance: Autosomal dominant inheritance. Observed: 1 variant allele, 1 heterozygote.
Comment: This study involves interpretation of variants in research participants for the purpose of population health screening. Participant phenotype was not available at the time of variant classification. Additional details can be found in publication PMID: 35346344, PMCID: PMC8962531

University of Washington Department of Laboratory Medicine, University of Washington
Classification: Likely benign for Hereditary cancer-predisposing syndrome. Last evaluated: 2023-03-23. Review status: criteria provided, single submitter. Criteria: Dines et al. (Genet Med. 2020). Collection method: curation. Allele origin: germline.
Comment: Missense variant in a coldspot region where missense variants are very unlikely to be pathogenic (PMID:31911673).

BRCA1 coldspot (exon 11 using historical exon numbering). Reclassification based on statistical prior probability

Quest Diagnostics Nichols Institute San Juan Capistrano
Classification: Uncertain significance. Last evaluated: 2023-01-10. Review status: criteria provided, single submitter. Criteria: Quest Diagnostics criteria. Collection method: clinical testing. Allele origin: unknown.
Comment: The frequency of this variant in the general population, 0.000008 (2/251016 chromosomes), is uninformative in assessment of its pathogenicity. In a large breast cancer association study, the variant was found both in healthy individuals and individuals with breast cancer (PMID: 33471991 (2021), see also LOVD. Analysis of this variant using bioinformatics tools for the prediction of the effect of amino acid changes on protein structure and function yielded predictions that this variant is benign. Based on the available information, we are unable to determine the clinical significance of this variant.

Sema4
Classification: Uncertain significance for Hereditary cancer-predisposing syndrome. Last evaluated: 2022-01-23. Review status: criteria provided, single submitter. Criteria: Sema4 Curation Guidelines. Collection method: curation. Allele origin: germline.
Comment: The BRCA1 c.2773A>G (p.I925V) variant was reported in 1/60466 breast cancer cases and in 1/53461 controls in a large case-control study (PMID: 33471991). It was observed in 2/113384 chromosomes of the Non-Finnish European subpopulation in the large and broad cohorts of the Genome Aggregation Database (PMID: 32461654). The variant has been reported in ClinVar (Variation ID 185111). In silico tools suggest the impact of the variant on protein function is benign, though these predictions have not been confirmed by functional studies. There is no indication that this variant causes disease, but the evidence is insufficient currently to prove that conclusively. Thus, the clinical significance of this variant is currently uncertain.

Women's Health and Genetics/Laboratory Corporation of America, LabCorp
Classification: Uncertain significance. Last evaluated: 2019-10-04. Review status: criteria provided, single submitter. Criteria: LabCorp Variant Classification Summary - May 2015. Collection method: clinical testing. Allele origin: germline.
Comment: Variant summary: BRCA1 c.2773A>G (p.Ile925Val) results in a conservative amino acid change in the encoded protein sequence. Five of five in-silico tools predict a benign effect of the variant on protein function. The valine amino acid residue resulting from this variant has been identified in multiple mammalian species, providing supporting evidence that the variant may not adversely affect protein function (Fleming_2003, Ramirez_2004, Lou_2014). The variant allele was found at a frequency of 8e-06 in 251016 control chromosomes (gnomAD). The available data on variant occurrences in the general population are insufficient to allow any conclusion about variant significance. To our knowledge, no occurrence of c.2773A>G in individuals affected with Hereditary Breast and Ovarian Cancer and no experimental evidence demonstrating its impact on protein function have been reported. The variant was found in one individual in a cohort of healthy women over 70 years of age with no history of cancer (FLOSSIES database). Four clinical diagnostic laboratories have submitted clinical-significance assessments for this variant to ClinVar (evaluation after 2014) and cited the variant with conflicting assessments (2x likely benign, 2x uncertain significance). Based on the evidence outlined above, the variant was classified as uncertain significance-possibly benign.

Ambry Genetics
Classification: Likely benign for Hereditary cancer-predisposing syndrome. Last evaluated: 2018-07-27. Review status: criteria provided, single submitter. Criteria: Ambry Variant Classification Scheme 2023. Collection method: clinical testing. Allele origin: germline.

GeneDx
Classification: Uncertain significance. Last evaluated: 2018-03-12. Review status: criteria provided, single submitter. Criteria: GeneDx Variant Classification (06012015). Collection method: clinical testing. Allele origin: germline. Affected: yes.
Comment: This variant is denoted BRCA1 c.2773A>G at the cDNA level, p.Ile925Val (I925V) at the protein level, and results in the change of an Isoleucine to a Valine (ATC>GTC). Using alternate nomenclature, this variant would be defined as BRCA1 2892A>G. This variant was identified in 1/43 healthy African individuals undergoing whole genome sequencing (Bodian 2014). BRCA1 Ile925Val was not observed at a significant allele frequency in large population cohorts (Lek 2016). BRCA1 Ile925Val is located in the DNA binding domain and RAD51 binding domain (Chen 1998, Paul 2014). In-silico analysis, which includes protein predictors and evolutionary conservation, supports that this variant does not alter protein structure/function. Based on currently available evidence, it is unclear whether BRCA1 Ile925Val is a pathogenic or benign variant. We consider it to be a variant of uncertain significance.

Color Diagnostics, LLC DBA Color Health
Classification: Likely benign for Hereditary cancer-predisposing syndrome. Last evaluated: 2016-11-21. Review status: criteria provided, single submitter. Criteria: ACMG Guidelines, 2015. Collection method: clinical testing. Allele origin: germline.

Literature cited by the submitters: PubMed 12531920 (cited by Quest Diagnostics Nichols Institute San Juan Capistrano and Women's Health and Genetics/Laboratory Corporation of America, LabCorp); PubMed 15001988 (cited by Quest Diagnostics Nichols Institute San Juan Capistrano and Women's Health and Genetics/Laboratory Corporation of America, LabCorp); PubMed 25011685 (cited by Quest Diagnostics Nichols Institute San Juan Capistrano and Women's Health and Genetics/Laboratory Corporation of America, LabCorp); PubMed 30212499 (cited by Quest Diagnostics Nichols Institute San Juan Capistrano and Women's Health and Genetics/Laboratory Corporation of America, LabCorp); PubMed 33471991 (cited by Quest Diagnostics Nichols Institute San Juan Capistrano and Sema4).